The following is an entry in ClinVar:

NM_003900.5(SQSTM1):c.259_260insATGCCTTTTCCAGTGACGAGGAATTGACGAGGAAT (p.Met87fs)

Gene: SQSTM1 (sequestosome 1; plus strand). Cytogenetic location: 5q35.3.
Variant type: Insertion.
Coding change: c.259_260insATGCCTTTTCCAGTGACGAGGAATTGACGAGGAAT on transcript NM_003900.5 (MANE Select); coding-DNA positions 259 to 260, ATGCCTTTTCCAGTGACGAGGAATTGACGAGGAAT inserted.
Protein change: p.Met87fs; shifts the reading frame from methionine 87.
Molecular consequence: frameshift variant.
Genome position: GRCh38: chr5:179,823,011-179,823,012. GRCh37 (hg19): chr5:179,250,011-179,250,012.
Other names: c.7_8insATGCCTTTTCCAGTGACGAGGAATTGACGAGGAAT, p.Met3fs (NM_001142298.2, NM_001142299.2); short protein forms M3fs, M87fs.
Identifiers: ClinVar variation 1948518 (VCV001948518.5), dbSNP rs2480208932, ClinGen allele CA2580074140.

ClinVar aggregate classification (germline): Pathogenic (1 of 4 stars; one submission).

Conditions:
Paget disease of bone 2, early-onset (PDB2). Also called: Paget disease of bone 2. Identifiers: MedGen C4085251, MONDO:0011183, OMIM 602080.
Frontotemporal dementia and/or amyotrophic lateral sclerosis 1 (FTDALS1). Also called: Frontotemporal dementia with motor neuron disease 1; C9orf72 Frontotemporal Dementia and/or Amyotrophic Lateral Sclerosis. Identifiers: Orphanet 275872, MedGen C5779877, MONDO:0007105, OMIM 105550.

Submission:

Labcorp Genetics (formerly Invitae), Labcorp
Classification: Pathogenic for Paget disease of bone 2, early-onset; Frontotemporal dementia and/or amyotrophic lateral sclerosis 1. Last evaluated: 2022-11-01. Review status: criteria provided, single submitter. Criteria: Invitae Variant Classification Sherloc (09022015). Collection method: clinical testing. Allele origin: germline.
Comment: For these reasons, this variant has been classified as Pathogenic. Algorithms developed to predict the effect of sequence changes on RNA splicing suggest that this variant may create or strengthen a splice site. This variant has not been reported in the literature in individuals affected with SQSTM1-related conditions. This variant is not present in population databases (gnomAD no frequency). This sequence change creates a premature translational stop signal (p.Met87Asnfs*16) in the SQSTM1 gene. It is expected to result in an absent or disrupted protein product. Loss-of-function variants in SQSTM1 are known to be pathogenic (PMID: 27545679, 29959261).

Literature cited by the submitters: PubMed 27545679; PubMed 29959261.